The following is an entry in ClinVar:

ClinVar aggregate classification (germline): Benign/Likely benign. Review status: criteria provided, multiple submitters, no conflicts (2 of 4 stars). 4 submissions from 4 submitters: Benign (3); Likely benign (1). Last evaluated 2026-02-04.

Conditions:
Severe combined immunodeficiency due to DNA-PKcs deficiency. Also called: Immunodeficiency 26 with or without neurologic abnormalities; IMMUNODEFICIENCY 26 WITH NEUROLOGIC ABNORMALITIES. Identifiers: Orphanet 317425, MedGen C4014833, MONDO:0014423, OMIM 615966.

Allele frequency attached by ClinVar (database versions not stated): 1000 Genomes Project 30x 0.00547; 1000 Genomes Project 0.00559; gnomAD 0.01099 and 0.01166; TOPMed 0.01174; ESP Exome Variant Server 0.01279; gnomAD exomes 0.01531.
gnomAD v4.1: 23,249 of 1,579,236 alleles (1.5%); highest among the groups gnomAD compares: Non-Finnish European, 1.8%; 249 homozygotes.

Submissions (4):

Labcorp Genetics (formerly Invitae), Labcorp
Classification: Benign for Severe combined immunodeficiency due to DNA-PKcs deficiency. Last evaluated: 2026-02-04. Review status: criteria provided, single submitter. Criteria: Invitae Variant Classification Sherloc (09022015). Collection method: clinical testing. Allele origin: germline.

Women's Health and Genetics/Laboratory Corporation of America, LabCorp
Classification: Likely benign. Last evaluated: 2026-01-22. Review status: criteria provided, single submitter. Criteria: LabCorp Variant Classification Summary - May 2015. Collection method: clinical testing. Allele origin: germline.

GeneDx
Classification: Benign. Last evaluated: 2016-09-13. Review status: criteria provided, single submitter. Criteria: GeneDx Variant Classification (06012015). Collection method: clinical testing. Allele origin: germline. Affected: yes.
Comment: This variant is considered likely benign or benign based on one or more of the following criteria: it is a conservative change, it occurs at a poorly conserved position in the protein, it is predicted to be benign by multiple in silico algorithms, and/or has population frequency not consistent with disease.

Breakthrough Genomics
Classification: Benign. Review status: criteria provided, single submitter. Criteria: ACMG Guidelines, 2015. Collection method: not provided. Allele origin: germline. Inheritance: Autosomal recessive inheritance. Affected: yes.

NM_006904.7(PRKDC):c.2083C>T (p.Pro695Ser)

Gene: PRKDC (protein kinase, DNA-activated, catalytic subunit; minus strand). Cytogenetic location: 8q11.21.
Variant type: single nucleotide variant.
Coding change: c.2083C>T on transcript NM_006904.7 (MANE Select); coding-DNA position 2083, C replaced by T.
Protein change: p.Pro695Ser; replaces proline 695 with serine.
Molecular consequence: missense variant.
Genome position (GRCh38, 1-based): chr8:47,929,148, G>A on the plus strand (C>T on the coding strand, the complement: PRKDC is on the minus strand). VCF-style: chr8-47929148-G-A. GRCh37 (hg19) VCF-style: chr8-48841708-G-A.
Other names: c.2083C>T, p.Pro695Ser (NM_001081640.2); short protein forms P695S.
Identifiers: ClinVar variation 379426 (VCV000379426.13), dbSNP rs8178046, ClinGen allele CA4741544.